The following is an entry in ClinVar:

ClinVar aggregate classification (germline): Uncertain significance. Review status: criteria provided, multiple submitters, no conflicts (2 of 4 stars). 2 submissions from 2 submitters: Uncertain significance (2). Last evaluated 2025-11-19.

Conditions:
Werner syndrome (WRN). Identifiers: Orphanet 902, MedGen C0043119, MONDO:0010196, OMIM 277700.

Allele frequency attached by ClinVar (database versions not stated): gnomAD 0.00003 and 0.00004; TOPMed 0.00003; ExAC 0.00005; gnomAD exomes 0.00005 and 0.00009.
gnomAD v4.1: 134 of 1,602,652 alleles (0.0084%); highest among the groups gnomAD compares: Non-Finnish European, 0.011%; no homozygotes.

Submissions (2):

Labcorp Genetics (formerly Invitae), Labcorp
Classification: Uncertain significance for Werner syndrome. Last evaluated: 2025-11-19. Review status: criteria provided, single submitter. Criteria: Invitae Variant Classification Sherloc (09022015). Collection method: clinical testing. Allele origin: germline.
Comment: This sequence change replaces proline, which is neutral and non-polar, with leucine, which is neutral and non-polar, at codon 1095 of the WRN protein (p.Pro1095Leu). This variant is present in population databases (rs746470648, gnomAD 0.01%). This variant has not been reported in the literature in individuals affected with WRN-related conditions. ClinVar contains an entry for this variant (Variation ID: 404023). An algorithm developed to predict the effect of missense changes on protein structure and function outputs the following: PolyPhen-2: "Benign". The leucine amino acid residue is found in multiple mammalian species, which suggests that this missense change does not adversely affect protein function. RNA analysis performed to evaluate the impact of this missense change on mRNA splicing indicates it does not significantly alter splicing (internal data). In summary, the available evidence is currently insufficient to determine the role of this variant in disease. Therefore, it has been classified as a Variant of Uncertain Significance.

Fulgent Genetics
Classification: Uncertain significance for Werner syndrome. Last evaluated: 2022-05-13. Review status: criteria provided, single submitter. Criteria: ACMG Guidelines, 2015. Collection method: clinical testing. Allele origin: unknown.

NM_000553.6(WRN):c.3284C>T (p.Pro1095Leu)

Gene: WRN (WRN RecQ like helicase; plus strand). Cytogenetic location: 8p12.
Variant type: single nucleotide variant.
Coding change: c.3284C>T on transcript NM_000553.6 (MANE Select); coding-DNA position 3284, C replaced by T.
Protein change: p.Pro1095Leu; replaces proline 1095 with leucine.
Molecular consequence: missense variant.
Genome position (GRCh38, 1-based): chr8:31,142,676, C>T. VCF-style: chr8-31142676-C-T. GRCh37 (hg19) VCF-style: chr8-31000192-C-T.
Other names: short protein forms P1095L.
Identifiers: ClinVar variation 404023 (VCV000404023.9), dbSNP rs746470648, ClinGen allele CA4704997.